The following is an entry in ClinVar:

ClinVar aggregate classification (germline): Pathogenic (1 of 4 stars; one submission).

Conditions:
Hereditary nonpolyposis colorectal neoplasms. Identifiers: MedGen C0009405, MeSH D003123.

Submission:

Labcorp Genetics (formerly Invitae), Labcorp
Classification: Pathogenic for Hereditary nonpolyposis colorectal neoplasms. Last evaluated: 2024-01-15. Review status: criteria provided, single submitter. Criteria: Invitae Variant Classification Sherloc (09022015). Collection method: clinical testing. Allele origin: unknown.
Comment: This variant is a gross deletion of the genomic region encompassing exon(s) 1-5 of the PMS2 gene, which includes the initiator codon. This deletion extends beyond the assayed region for this gene and therefore may encompass additional genes. It is expected to result in an absent or disrupted protein product. Loss-of-function variants in PMS2 are known to be pathogenic (PMID: 21376568, 24362816). A similar copy number variant has been observed in individual(s) with PMS2-related conditions (Invitae). For these reasons, this variant has been classified as Pathogenic.

Literature cited by the submitters: PubMed 21376568; PubMed 24362816.

NC_000007.13:g.(?_6042064)_(6048650_?)del

Gene: PMS2 (PMS1 homolog 2, mismatch repair system component; minus strand). Cytogenetic location: 7p22.1.
Variant type: Deletion.
Identifiers: ClinVar variation 3245651 (VCV003245651.1).